The following is an entry in ClinVar:

NM_021930.6(RINT1):c.497C>T (p.Ser166Leu)

Gene: RINT1 (RAD50 interactor 1; plus strand). Cytogenetic location: 7q22.3.
Variant type: single nucleotide variant.
Coding change: c.497C>T on transcript NM_021930.6 (MANE Select); coding-DNA position 497, C replaced by T.
Protein change: p.Ser166Leu; replaces serine 166 with leucine.
Molecular consequence: missense variant. On other transcripts: 5 prime UTR variant (3), non-coding transcript variant (1).
Genome position (GRCh38, 1-based): chr7:105,542,631, C>T. VCF-style: chr7-105542631-C-T. GRCh37 (hg19) VCF-style: chr7-105183078-C-T.
Other names: c.263C>T, p.Ser88Leu (NM_001346599.2); c.-523C>T (NM_001346600.2); c.-426C>T (NM_001346601.2); c.-46C>T (NM_001346603.2); short protein forms S166L, S88L.
Identifiers: ClinVar variation 1717514 (VCV001717514.5), dbSNP rs267601219, ClinGen allele CA164048694.

ClinVar aggregate classification (germline): Uncertain significance (1 of 4 stars; one submission).

Submission:

Labcorp Genetics (formerly Invitae), Labcorp
Classification: Uncertain significance. Last evaluated: 2022-09-29. Review status: criteria provided, single submitter. Criteria: Invitae Variant Classification Sherloc (09022015). Collection method: clinical testing. Allele origin: germline.
Comment: This variant has not been reported in the literature in individuals affected with RINT1-related conditions. Algorithms developed to predict the effect of missense changes on protein structure and function are either unavailable or do not agree on the potential impact of this missense change (SIFT: "Deleterious"; PolyPhen-2: "Benign"; Align-GVGD: "Class C0"). In summary, the available evidence is currently insufficient to determine the role of this variant in disease. Therefore, it has been classified as a Variant of Uncertain Significance. This variant is not present in population databases (gnomAD no frequency). This sequence change replaces serine, which is neutral and polar, with leucine, which is neutral and non-polar, at codon 166 of the RINT1 protein (p.Ser166Leu).